The following is an entry in ClinVar:

ClinVar aggregate classification (germline): Benign/Likely benign. Review status: criteria provided, multiple submitters, no conflicts (2 of 4 stars). 4 submissions from 4 submitters: Benign (2); Likely benign (2). Last evaluated 2026-09-01.

Allele frequency attached by ClinVar (database versions not stated): ESP Exome Variant Server 0.00131; ExAC 0.00170; gnomAD exomes 0.00173 and 0.00197; gnomAD 0.00187 and 0.00198; 1000 Genomes Project 0.00200; 1000 Genomes Project 30x 0.00250; TOPMed 0.00268.
gnomAD v4.1: 3,200 of 1,614,030 alleles (0.2%); highest among the groups gnomAD compares: Middle Eastern, 0.43%; 8 homozygotes.

Submissions (4):

CeGaT Center for Human Genetics Tuebingen
Classification: Likely benign. Last evaluated: 2026-09-01. Review status: criteria provided, single submitter. Criteria: CeGaT Center For Human Genetics Tuebingen Variant Classification Criteria Version 2. Collection method: clinical testing. Allele origin: germline. Affected: yes. Observed: 18 variant alleles.
Comment: KMT2E: BS1

Labcorp Genetics (formerly Invitae), Labcorp
Classification: Benign. Last evaluated: 2026-01-28. Review status: criteria provided, single submitter. Criteria: Invitae Variant Classification Sherloc (09022015). Collection method: clinical testing. Allele origin: germline.

Blueprint Genetics
Classification: Likely benign. Last evaluated: 2024-11-25. Review status: criteria provided, single submitter. Criteria: ACMG Guidelines, 2015. Collection method: clinical testing. Allele origin: germline.

Breakthrough Genomics
Classification: Benign. Review status: criteria provided, single submitter. Criteria: ACMG Guidelines, 2015. Collection method: not provided. Allele origin: germline. Inheritance: Autosomal dominant inheritance. Affected: yes.

NM_182931.3(KMT2E):c.2722C>T (p.Pro908Ser)

Gene: KMT2E (lysine methyltransferase 2E (inactive); plus strand). Cytogenetic location: 7q22.3.
Variant type: single nucleotide variant.
Coding change: c.2722C>T on transcript NM_182931.3 (MANE Select); coding-DNA position 2722, C replaced by T.
Protein change: p.Pro908Ser; replaces proline 908 with serine.
Molecular consequence: missense variant.
Genome position (GRCh38, 1-based): chr7:105,106,647, C>T. VCF-style: chr7-105106647-C-T. GRCh37 (hg19) VCF-style: chr7-104747094-C-T.
Other names: c.2722C>T, p.Pro908Ser (NM_018682.4); short protein forms P908S.
Identifiers: ClinVar variation 1601685 (VCV001601685.33), dbSNP rs151289792, ClinGen allele CA4424298.